The following is an entry in ClinVar:

ClinVar aggregate classification (germline): Benign/Likely benign. Review status: criteria provided, multiple submitters, no conflicts (2 of 4 stars). 5 submissions from 5 submitters: Benign (2); Likely benign (3). Last evaluated 2026-01-26.

Conditions:
Hereditary cancer-predisposing syndrome. Also called: Tumor predisposition; Neoplastic Syndromes, Hereditary; Hereditary Cancer Syndrome; Hereditary neoplastic syndrome. Identifiers: Orphanet 140162, MedGen C0027672, MeSH D009386, MONDO:0015356.
Tuberous sclerosis syndrome (TSC). Also called: Tuberous Sclerosis Complex; Tuberous sclerosis. Identifiers: Orphanet 805, MedGen C0041341, MONDO:0001734.
Tuberous sclerosis 2 (TSC2). Identifiers: Orphanet 805, MedGen C1860707, MONDO:0013199, OMIM 613254.

Allele frequency attached by ClinVar (database versions not stated): gnomAD exomes below 0.00001; gnomAD 0.00001; TOPMed 0.00001.
gnomAD v4.1: 2 of 1,613,884 alleles (0.00012%); highest among the groups gnomAD compares: Non-Finnish European, 0.00017%; no homozygotes.

Submissions (5):

Labcorp Genetics (formerly Invitae), Labcorp
Classification: Likely benign for Tuberous sclerosis 2. Last evaluated: 2026-01-26. Review status: criteria provided, single submitter. Criteria: Invitae Variant Classification Sherloc (09022015). Collection method: clinical testing. Allele origin: germline.

Myriad Genetics, Inc.
Classification: Benign for Tuberous sclerosis 2. Last evaluated: 2025-04-30. Review status: criteria provided, single submitter. Criteria: Myriad Autosomal Dominant, Autosomal Recessive and X-Linked Classification Criteria (2023). Collection method: clinical testing. Allele origin: unknown.
Comment: This variant is considered benign. This variant is a silent/synonymous amino acid change and it is not expected to impact splicing.

All of Us Research Program, National Institutes of Health
Classification: Likely benign for Tuberous sclerosis syndrome. Last evaluated: 2024-05-14. Review status: criteria provided, single submitter. Criteria: ACMG Guidelines, 2015. Collection method: clinical testing. Allele origin: germline. Inheritance: Autosomal dominant inheritance. Observed: 2 variant alleles, 2 heterozygotes.
Comment: This study involves interpretation of variants in research participants for the purpose of population health screening. Participant phenotype was not available at the time of variant classification. Additional details can be found in publication PMID: 35346344, PMCID: PMC8962531

Genome-Nilou Lab
Classification: Benign for Tuberous sclerosis 2. Last evaluated: 2021-11-07. Review status: criteria provided, single submitter. Criteria: ACMG Guidelines, 2015. Collection method: clinical testing. Allele origin: germline. Affected: no.

Ambry Genetics
Classification: Likely benign for Hereditary cancer-predisposing syndrome. Last evaluated: 2016-10-08. Review status: criteria provided, single submitter. Criteria: Ambry Variant Classification Scheme 2023. Collection method: clinical testing. Allele origin: germline.

NM_000548.5(TSC2):c.123C>T (p.Thr41=)

Gene: TSC2 (TSC complex subunit 2; plus strand). Cytogenetic location: 16p13.3.
Variant type: single nucleotide variant.
Coding change: c.123C>T on transcript NM_000548.5 (MANE Select); coding-DNA position 123, C replaced by T.
Protein change: p.Thr41=; no amino-acid change (threonine 41 retained).
Molecular consequence: synonymous variant. On other transcripts: 5 prime UTR variant (1), intron variant (1).
Genome position (GRCh38, 1-based): chr16:2,048,738, C>T. VCF-style: chr16-2048738-C-T. GRCh37 (hg19) VCF-style: chr16-2098739-C-T.
Other names: c.123C>T, p.Thr41= (NM_001077183.3, NM_001114382.3, NM_001318827.2 and 4 more transcripts); c.-104C>T (NM_001318831.2); c.156C>T, p.Thr52= (NM_001318832.2); c.-10+673C>T (NM_001318829.2).
Identifiers: ClinVar variation 413678 (VCV000413678.21), dbSNP rs1060504100, ClinGen allele CA16615026.